The following is an entry in ClinVar:

NM_001278064.2(GRM1):c.381G>A (p.Leu127=)

Gene: GRM1 (glutamate metabotropic receptor 1; plus strand). Cytogenetic location: 6q24.3.
Variant type: single nucleotide variant.
Coding change: c.381G>A on transcript NM_001278064.2 (MANE Select); coding-DNA position 381, G replaced by A.
Protein change: p.Leu127=; no amino-acid change (leucine 127 retained).
Molecular consequence: synonymous variant.
Genome position (GRCh38, 1-based): chr6:146,029,898, G>A. VCF-style: chr6-146029898-G-A. GRCh37 (hg19) VCF-style: chr6-146351034-G-A.
Other names: c.381G>A, p.Leu127= (NM_001278065.2, NM_001278066.1, NM_001278067.1).
Identifiers: ClinVar variation 2656970 (VCV002656970.27), dbSNP rs748302318, ClinGen allele CA4037042.
Genomic context (GRCh38, chr6:146,029,898, plus strand): 5'-CTCCTGCTGGCACTCTTCCGTGGCTCTGGAACAGAGCATTGAGTTCATTAGGGACTCTCT[G>A]ATTTCCATTCGAGATGAGAAGGATGGGATCAACCGGTGTCTGCCTGACGGCCAGTCCCTC-3'
Protein context (NP_001264993.1, residues 117-137): EQSIEFIRDS[Leu127=]ISIRDEKDGI

ClinVar aggregate classification (germline): Likely benign. Review status: criteria provided, multiple submitters, no conflicts (2 of 4 stars). 2 submissions from 2 submitters: Likely benign (2). Last evaluated 2023-06-09.

Allele frequency attached by ClinVar (database versions not stated): ExAC 0.00001; gnomAD 0.00001; TOPMed 0.00002.
gnomAD v4.1: 26 of 1,614,006 alleles (0.0016%); highest among the groups gnomAD compares: Non-Finnish European, 0.0021%; no homozygotes.

Submissions (2):

Labcorp Genetics (formerly Invitae), Labcorp
Classification: Likely benign. Last evaluated: 2023-06-09. Review status: criteria provided, single submitter. Criteria: Invitae Variant Classification Sherloc (09022015). Collection method: clinical testing. Allele origin: germline.

CeGaT Center for Human Genetics Tuebingen
Classification: Likely benign. Last evaluated: 2022-08-01. Review status: criteria provided, single submitter. Criteria: CeGaT Center For Human Genetics Tuebingen Variant Classification Criteria Version 2. Collection method: clinical testing. Allele origin: germline. Affected: yes. Observed: 1 variant allele.
Comment: GRM1: BP4, BP7